The following is an entry in ClinVar:

ClinVar aggregate classification (germline): Uncertain significance (1 of 4 stars; one submission).

gnomAD v4.1: 20 of 1,613,554 alleles (0.0012%); highest among the groups gnomAD compares: South Asian, 0.0022%; no homozygotes.

Submission:

GeneDx
Classification: Uncertain significance. Last evaluated: 2025-03-24. Review status: criteria provided, single submitter. Criteria: GeneDx Variant Classification Process June 2021. Collection method: clinical testing. Allele origin: germline. Affected: yes.
Comment: Not observed at significant frequency in large population cohorts (gnomAD); In silico analysis supports that this missense variant has a deleterious effect on protein structure/function; Has not been previously published as pathogenic or benign to our knowledge

NM_006745.5(MSMO1):c.742C>T (p.Arg248Trp)

Gene: MSMO1 (methylsterol monooxygenase 1; plus strand). Cytogenetic location: 4q32.3.
Variant type: single nucleotide variant.
Coding change: c.742C>T on transcript NM_006745.5 (MANE Select); coding-DNA position 742, C replaced by T.
Protein change: p.Arg248Trp; replaces arginine 248 with tryptophan.
Molecular consequence: missense variant.
Genome position (GRCh38, 1-based): chr4:165,341,806, C>T. VCF-style: chr4-165341806-C-T. GRCh37 (hg19) VCF-style: chr4-166262958-C-T.
Other names: c.349C>T, p.Arg117Trp (NM_001017369.3); c.742C>T, p.Arg248Trp (NM_001440534.1); short protein forms R117W, R248W.
Identifiers: ClinVar variation 4087829 (VCV004087829.1).